The following is an entry in ClinVar:

NM_000257.4(MYH7):c.5149C>T (p.His1717Tyr)

Genes: MHRT (myosin heavy chain associated RNA transcript; plus strand), MYH7 (myosin heavy chain 7; minus strand), LOC126861897 (BRD4-independent group 4 enhancer GRCh37_chr14:23884455-23885654; plus strand). Cytogenetic location: 14q11.2.
Variant type: single nucleotide variant.
Coding change: c.5149C>T on transcript NM_000257.4 (MANE Select); coding-DNA position 5149, C replaced by T.
Protein change: p.His1717Tyr; replaces histidine 1717 with tyrosine.
Molecular consequence: missense variant. On other transcripts: non-coding transcript variant (1).
Genome position (GRCh38, 1-based): chr14:23,415,637, G>A on the plus strand (C>T on the coding strand, the complement: MYH7 is on the minus strand). VCF-style: chr14-23415637-G-A. GRCh37 (hg19) VCF-style: chr14-23884846-G-A.
Other names: short protein forms H1717Y.
Identifiers: ClinVar variation 920911 (VCV000920911.4), dbSNP rs1892164451, ClinGen allele CA389036866.

ClinVar aggregate classification (germline): Uncertain significance (1 of 4 stars; one submission).

Conditions:
Cardiomyopathy (CMYO). Also called: Cardiomyopathies. Identifiers: Orphanet 167848, MedGen C0878544, MONDO:0004994, HP:0001638. Inheritance: Various modes of inheritance.

Submission:

Color Diagnostics, LLC DBA Color Health
Classification: Uncertain significance for Cardiomyopathy. Last evaluated: 2024-03-06. Review status: criteria provided, single submitter. Criteria: ACMG Guidelines, 2015. Collection method: clinical testing. Allele origin: germline.
Comment: This missense variant replaces histidine with tyrosine at codon 1717 of the MYH7 protein. Computational prediction is inconclusive regarding the impact of this variant on protein structure and function (internally defined REVEL score threshold 0.5 < inconclusive < 0.7, PMID: 27666373). Splice site prediction tools suggest that this variant may not impact RNA splicing. To our knowledge, functional studies have not been performed for this variant. This variant has not been reported in individuals affected with cardiovascular disorders in the literature. This variant has not been identified in the general population by the Genome Aggregation Database (gnomAD). The available evidence is insufficient to determine the role of this variant in disease conclusively. Therefore, this variant is classified as a Variant of Uncertain Significance.